The following is an entry in ClinVar:

NM_130839.5(UBE3A):c.1708_1710del (p.Glu570del)

Genes: SNHG14 (small nucleolar RNA host gene 14; plus strand), UBE3A (ubiquitin protein ligase E3A; minus strand). Cytogenetic location: 15q11.2.
Variant type: Deletion.
Coding change: c.1708_1710del on transcript NM_130839.5 (MANE Select); coding-DNA positions 1708 to 1710, 3 bases deleted (GAA; older notation c.1708_1710delGAA).
Protein change: p.Glu570del; deletes glutamic acid 570.
Molecular consequence: inframe deletion. On other transcripts: non-coding transcript variant (1).
Genome position (GRCh38, 1-based): chr15:25,360,426-25,360,428, TTC deleted on the plus strand (GAA on the coding strand, the reverse complement: UBE3A is on the minus strand); deleting any 3 consecutive bases within chr15:25,360,426-25,360,430 gives the same sequence; the c. name uses the placement nearest the transcript's 3' end. VCF-style (leftmost placement, unchanged base first): chr15-25360425-ATTC-A. GRCh37 (hg19) VCF-style: chr15-25605572-ATTC-A.
Other names: c.1648_1650delGAA (NM_130838.1); c.1717_1719del, p.Glu573del (NM_000462.5); c.1708_1710del, p.Glu570del (NM_001354505.1, NM_001354538.2, NM_001354545.2); c.1648_1650del, p.Glu550del (NM_001354506.2, NM_001354507.2, NM_001354508.2 and 17 more transcripts); c.1531_1533del, p.Glu511del (NM_001354546.2); c.457_459del, p.Glu153del (NM_001354550.2); c.397_399del, p.Glu133del (NM_001354551.2); short protein forms E550del, E511del, E573del, E570del, E133del, E153del.
Identifiers: ClinVar variation 423640 (VCV000423640.4), dbSNP rs1064796545, ClinGen allele CA16619905.

ClinVar aggregate classification (germline): Pathogenic (1 of 4 stars; one submission).

Submission:

GeneDx
Classification: Pathogenic. Last evaluated: 2019-11-22. Review status: criteria provided, single submitter. Criteria: GeneDx Variant Classification Process June 2021. Collection method: clinical testing. Allele origin: germline. Affected: yes.
Comment: Not observed in large population cohorts (Lek et al., 2016); In-frame deletion of 1 amino acid in a non-repeat region; In silico analysis, which includes protein predictors and evolutionary conservation, supports a deleterious effect; Has not been previously published as pathogenic or benign to our knowledge